The following is an entry in ClinVar:

ClinVar aggregate classification (germline): Uncertain significance (1 of 4 stars; one submission).

Submission:

GeneDx
Classification: Uncertain significance. Last evaluated: 2025-01-31. Review status: criteria provided, single submitter. Criteria: GeneDx Variant Classification Process June 2021. Collection method: clinical testing. Allele origin: germline. Affected: yes.
Comment: Not observed at significant frequency in large population cohorts (gnomAD); In silico analysis supports that this missense variant has a deleterious effect on protein structure/function; Has not been previously published as pathogenic or benign to our knowledge

NM_014425.5(INVS):c.203T>C (p.Leu68Pro)

Gene: INVS (inversin; plus strand). Cytogenetic location: 9q31.1.
Variant type: single nucleotide variant.
Coding change: c.203T>C on transcript NM_014425.5 (MANE Select); coding-DNA position 203, T replaced by C.
Protein change: p.Leu68Pro; replaces leucine 68 with proline.
Molecular consequence: missense variant. On other transcripts: 5 prime UTR variant (2), non-coding transcript variant (1).
Genome position (GRCh38, 1-based): chr9:100,126,479, T>C. VCF-style: chr9-100126479-T-C. GRCh37 (hg19) VCF-style: chr9-102888761-T-C.
Other names: c.-174T>C (NM_001318381.2); c.-787T>C (NM_001318382.2); short protein forms L68P.
Identifiers: ClinVar variation 4072759 (VCV004072759.1).